The following is an entry in ClinVar:

NM_001127222.2(CACNA1A):c.5167G>A (p.Glu1723Lys)

Gene: CACNA1A (calcium voltage-gated channel subunit alpha1 A; minus strand). Cytogenetic location: 19p13.13.
Variant type: single nucleotide variant.
Coding change: c.5167G>A on transcript NM_001127222.2 (MANE Select); coding-DNA position 5167, G replaced by A.
Protein change: p.Glu1723Lys; replaces glutamic acid 1723 with lysine.
Molecular consequence: missense variant.
Genome position (GRCh38, 1-based): chr19:13,235,003, C>T on the plus strand (G>A on the coding strand, the complement: CACNA1A is on the minus strand). VCF-style: chr19-13235003-C-T. GRCh37 (hg19) VCF-style: chr19-13345817-C-T.
Other names: c.5185G>A, p.Glu1729Lys (NM_000068.4, NM_023035.3); c.5170G>A, p.Glu1724Lys (NM_001127221.2); c.5176G>A, p.Glu1726Lys (NM_001174080.2); c.5170G>A (NM_001127221.1); short protein forms E1726K, E1723K, E1724K, E1729K.
Identifiers: ClinVar variation 1515716 (VCV001515716.9), dbSNP rs931067957, ClinGen allele CA305516697.

ClinVar aggregate classification (germline): Uncertain significance. Review status: criteria provided, multiple submitters, no conflicts (2 of 4 stars). 4 submissions from 4 submitters: Uncertain significance (4). Last evaluated 2025-08-10.

Conditions:
Inborn genetic diseases. Identifiers: MedGen C0950123, MeSH D030342.
Developmental and epileptic encephalopathy, 42 (DEE42A). Also called: Epileptic encephalopathy, early infantile, 42; DEVELOPMENTAL AND EPILEPTIC ENCEPHALOPATHY 42A; EPILEPTIC ENCEPHALOPATHY, EARLY INFANTILE, 42A. Identifiers: MedGen C4310716, MONDO:0014917, OMIM 617106.
Episodic ataxia type 2 (EA2). Also called: ATAXIA, EPISODIC, WITH NYSTAGMUS; ATAXIA, FAMILIAL PAROXYSMAL; CEREBELLAR ATAXIA, PAROXYSMAL, ACETAZOLAMIDE-RESPONSIVE; CEREBELLOPATHY, HEREDITARY PAROXYSMAL; EPISODIC ATAXIA, NYSTAGMUS-ASSOCIATED; ACETAZOLAMIDE-RESPONSIVE HEREDITARY PAROXYSMAL CEREBELLAR ATAXIA. Identifiers: Orphanet 97, MedGen C1720416, MONDO:0007163, OMIM 108500.

Allele frequency attached by ClinVar (database versions not stated): gnomAD exomes below 0.00001; gnomAD 0.00001; TOPMed 0.00001.
gnomAD v4.1: 7 of 1,613,628 alleles (0.00043%); highest among the groups gnomAD compares: Non-Finnish European, 0.00059%; no homozygotes.

Submissions (4):

Ambry Genetics
Classification: Uncertain significance for Inborn genetic diseases. Last evaluated: 2025-08-10. Review status: criteria provided, single submitter. Criteria: Ambry Variant Classification Scheme 2023. Collection method: clinical testing. Allele origin: germline.

GeneDx
Classification: Uncertain significance. Last evaluated: 2025-07-16. Review status: criteria provided, single submitter. Criteria: GeneDx Variant Classification Process June 2021. Collection method: clinical testing. Allele origin: germline. Affected: yes.
Comment: Not observed at significant frequency in large population cohorts (gnomAD); In silico analysis suggests that this missense variant does not alter protein structure/function; Has not been previously published as pathogenic or benign to our knowledge

Labcorp Genetics (formerly Invitae), Labcorp
Classification: Uncertain significance for Developmental and epileptic encephalopathy, 42; Episodic ataxia type 2. Last evaluated: 2025-04-23. Review status: criteria provided, single submitter. Criteria: Invitae Variant Classification Sherloc (09022015). Collection method: clinical testing. Allele origin: germline.
Comment: This sequence change replaces glutamic acid, which is acidic and polar, with lysine, which is basic and polar, at codon 1724 of the CACNA1A protein (p.Glu1724Lys). This variant is not present in population databases (gnomAD no frequency). This variant has not been reported in the literature in individuals affected with CACNA1A-related conditions. ClinVar contains an entry for this variant (Variation ID: 1515716). Invitae Evidence Modeling of protein sequence and biophysical properties (such as structural, functional, and spatial information, amino acid conservation, physicochemical variation, residue mobility, and thermodynamic stability) indicates that this missense variant is not expected to disrupt CACNA1A protein function with a negative predictive value of 95%. In summary, the available evidence is currently insufficient to determine the role of this variant in disease. Therefore, it has been classified as a Variant of Uncertain Significance.

Blueprint Genetics
Classification: Uncertain significance. Last evaluated: 2024-11-06. Review status: criteria provided, single submitter. Criteria: ACMG Guidelines, 2015. Collection method: clinical testing. Allele origin: germline.